The following is an entry in ClinVar:

ClinVar aggregate classification (germline): Uncertain significance. Review status: criteria provided, multiple submitters, no conflicts (2 of 4 stars). 2 submissions from 2 submitters: Uncertain significance (2). Last evaluated 2025-08-11.

Allele frequency attached by ClinVar (database versions not stated): ExAC 0.00002; gnomAD exomes 0.00011; gnomAD 0.00005; TOPMed 0.00008.
gnomAD v4.1: 176 of 1,596,188 alleles (0.011%); highest among the groups gnomAD compares: Non-Finnish European, 0.014%; no homozygotes.

Submissions (2):

Labcorp Genetics (formerly Invitae), Labcorp
Classification: Uncertain significance. Last evaluated: 2025-08-11. Review status: criteria provided, single submitter. Criteria: Invitae Variant Classification Sherloc (09022015). Collection method: clinical testing. Allele origin: germline.
Comment: This sequence change replaces glutamine, which is neutral and polar, with proline, which is neutral and non-polar, at codon 1587 of the NIN protein (p.Gln1587Pro). This variant is present in population databases (rs749448257, gnomAD 0.006%). This variant has not been reported in the literature in individuals affected with NIN-related conditions. ClinVar contains an entry for this variant (Variation ID: 2732318). An algorithm developed to predict the effect of missense changes on protein structure and function (PolyPhen-2) suggests that this variant is likely to be disruptive. In summary, the available evidence is currently insufficient to determine the role of this variant in disease. Therefore, it has been classified as a Variant of Uncertain Significance.

Ambry Genetics
Classification: Uncertain significance. Last evaluated: 2025-04-01. Review status: criteria provided, single submitter. Criteria: Ambry Variant Classification Scheme 2023. Collection method: clinical testing. Allele origin: germline.

NM_020921.4(NIN):c.4760A>C (p.Gln1587Pro)

Gene: NIN (ninein; minus strand). Cytogenetic location: 14q22.1.
Variant type: single nucleotide variant.
Coding change: c.4760A>C on transcript NM_020921.4 (MANE Select); coding-DNA position 4760, A replaced by C.
Protein change: p.Gln1587Pro; replaces glutamine 1587 with proline.
Molecular consequence: missense variant.
Genome position (GRCh38, 1-based): chr14:50,752,708, T>G on the plus strand (A>C on the coding strand, the complement: NIN is on the minus strand). VCF-style: chr14-50752708-T-G. GRCh37 (hg19) VCF-style: chr14-51219426-T-G.
Other names: c.4760A>C (NM_020921.3); c.4760A>C, p.Gln1587Pro (NM_182944.3, NM_182946.2); c.2621A>C, p.Gln874Pro (NM_016350.5); short protein forms Q1587P, Q874P.
Identifiers: ClinVar variation 2732318 (VCV002732318.4), dbSNP rs749448257, ClinGen allele CA7181495.